The following is an entry in ClinVar:

NC_000020.10:g.(?_62076571)_(62078210_?)del

Gene: KCNQ2 (potassium voltage-gated channel subfamily Q member 2; minus strand). Cytogenetic location: 20q13.33.
Variant type: Deletion.
Identifiers: ClinVar variation 1458701 (VCV001458701.7).

ClinVar aggregate classification (germline): Pathogenic (1 of 4 stars; one submission).

Conditions:
Developmental and epileptic encephalopathy. Identifiers: MedGen C5779964, MONDO:0100620.

Submission:

Labcorp Genetics (formerly Invitae), Labcorp
Classification: Pathogenic for Early-infantile DEE. Last evaluated: 2021-02-13. Review status: criteria provided, single submitter. Criteria: Invitae Variant Classification Sherloc (09022015). Collection method: clinical testing. Allele origin: germline.
Comment: For these reasons, this variant has been classified as Pathogenic. This variant has not been reported in the literature in individuals with KCNQ2-related conditions. This variant is a gross deletion of the genomic region encompassing exon(s) 2-3 of the KCNQ2 gene. This deletion is out-of-frame, and is expected to create a premature translational stop signal and result in an absent or disrupted protein product. Loss-of-function variants in KCNQ2 are known to be pathogenic (PMID: 14534157, 23692823, 27779742).

Literature cited by the submitters: PubMed 14534157; PubMed 23692823; PubMed 27779742.